The following is an entry in ClinVar:

NM_004329.3(BMPR1A):c.363A>G (p.Thr121=)

Gene: BMPR1A (bone morphogenetic protein receptor type 1A; plus strand). Cytogenetic location: 10q23.2.
Variant type: single nucleotide variant.
Coding change: c.363A>G on transcript NM_004329.3 (MANE Select); coding-DNA position 363, A replaced by G.
Protein change: p.Thr121=; no amino-acid change (threonine 121 retained).
Molecular consequence: synonymous variant.
Genome position (GRCh38, 1-based): chr10:86,899,823, A>G. VCF-style: chr10-86899823-A-G. GRCh37 (hg19) VCF-style: chr10-88659580-A-G.
Identifiers: ClinVar variation 1112386 (VCV001112386.12), dbSNP rs2133453764, ClinGen allele CA470306495.

ClinVar aggregate classification (germline): Benign/Likely benign. Review status: criteria provided, multiple submitters, no conflicts (2 of 4 stars). 3 submissions from 3 submitters: Benign (1); Likely benign (2). Last evaluated 2025-02-03.

Conditions:
Hereditary cancer-predisposing syndrome. Also called: Hereditary neoplastic syndrome; Tumor predisposition; Neoplastic Syndromes, Hereditary; Hereditary Cancer Syndrome. Identifiers: Orphanet 140162, MedGen C0027672, MeSH D009386, MONDO:0015356.
Juvenile polyposis syndrome (JPS). Identifiers: Orphanet 2929, MedGen C0345893, MONDO:0017380, OMIM 174900.

Submissions (3):

Labcorp Genetics (formerly Invitae), Labcorp
Classification: Likely benign for Juvenile polyposis syndrome. Last evaluated: 2025-02-03. Review status: criteria provided, single submitter. Criteria: Invitae Variant Classification Sherloc (09022015). Collection method: clinical testing. Allele origin: germline.

Myriad Genetics, Inc.
Classification: Benign for Juvenile polyposis syndrome. Last evaluated: 2024-08-01. Review status: criteria provided, single submitter. Criteria: Myriad Autosomal Dominant, Autosomal Recessive and X-Linked Classification Criteria (2023). Collection method: clinical testing. Allele origin: unknown.
Comment: This variant is considered benign. This variant is a silent/synonymous amino acid change and it is not expected to impact splicing.

Ambry Genetics
Classification: Likely benign for Hereditary cancer-predisposing syndrome. Last evaluated: 2019-10-12. Review status: criteria provided, single submitter. Criteria: Ambry Variant Classification Scheme 2023. Collection method: clinical testing. Allele origin: germline.